The following is an entry in ClinVar:

ClinVar aggregate classification (germline): Uncertain significance (1 of 4 stars; one submission).

Submission:

GeneDx
Classification: Uncertain significance. Last evaluated: 2017-05-12. Review status: criteria provided, single submitter. Criteria: GeneDx Variant Classification (06012015). Collection method: clinical testing. Allele origin: germline. Affected: yes.
Comment: A variant of uncertain significance has been identified in the COL3A1 gene. The S1395L variant has not been published as pathogenic or been reported as benign to our knowledge. Additionally, this variant is not observed in large population cohorts (Lek et al., 2016; 1000 Genomes Consortium et al., 2015; Exome Variant Server). The S1395L variant is a non-conservative amino acid substitution, which is likely to impact secondary protein structure as these residues differ in polarity, charge, size and/or other properties. Furthermore, this substitution occurs at a position that is conserved across species and in silico analysis predicts this variant is probably damaging to the protein structure/function. Nevertheless, the S1395L variant does not affect a Glycine residue in a Gly-X-Y motif in the triple helical region of the COL3A1 gene, where the majority of pathogenic missense variants occur (Stenson et al., 2014; Symoens et al., 2012).

NM_000090.4(COL3A1):c.4184C>T (p.Ser1395Leu)

Gene: COL3A1 (collagen type III alpha 1 chain; plus strand). Cytogenetic location: 2q32.2.
Variant type: single nucleotide variant.
Coding change: c.4184C>T on transcript NM_000090.4 (MANE Select); coding-DNA position 4184, C replaced by T.
Protein change: p.Ser1395Leu; replaces serine 1395 with leucine.
Molecular consequence: missense variant.
Genome position (GRCh38, 1-based): chr2:189,010,820, C>T. VCF-style: chr2-189010820-C-T. GRCh37 (hg19) VCF-style: chr2-189875546-C-T.
Other names: short protein forms S1395L.
Identifiers: ClinVar variation 429977 (VCV000429977.2), dbSNP rs1131691707, ClinGen allele CA349849575.
Genomic context (GRCh38, chr2:189,010,820, plus strand): 5'-GCATTGCATACATGGATCAGGCCAGTGGAAATGTAAAGAAGGCCCTGAAGCTGATGGGGT[C>T]AAATGAAGGTGAATTCAAGGCTGAAGGAAATAGCAAATTCACCTACACAGTTCTGGAGGA-3'
Protein context (NP_000081.2, residues 1385-1405): NVKKALKLMG[Ser1395Leu]NEGEFKAEGN